The following is an entry in ClinVar:

ClinVar aggregate classification (germline): Likely benign. Review status: criteria provided, multiple submitters, no conflicts (2 of 4 stars). 3 submissions from 3 submitters: Likely benign (2). 1 of the submissions does not count toward it. Last evaluated 2025-08-24.

Conditions:
UTP4-related disorder. Also called: UTP4-related condition.

Allele frequency attached by ClinVar (database versions not stated): gnomAD exomes 0.00001; ExAC 0.00003; TOPMed 0.00008; gnomAD 0.00010; ESP Exome Variant Server 0.00031.
gnomAD v4.1: 30 of 1,614,066 alleles (0.0019%); highest among the groups gnomAD compares: African/African-American, 0.037%; no homozygotes.

Submissions (3):

Labcorp Genetics (formerly Invitae), Labcorp
Classification: Likely benign. Last evaluated: 2025-08-24. Review status: criteria provided, single submitter. Criteria: Invitae Variant Classification Sherloc (09022015). Collection method: clinical testing. Allele origin: germline.

Blueprint Genetics
Classification: Likely benign. Last evaluated: 2024-06-04. Review status: criteria provided, single submitter. Criteria: ACMG Guidelines, 2015. Collection method: clinical testing. Allele origin: germline.

PreventionGenetics, part of Exact Sciences
Classification: Likely benign for UTP4-related condition. Last evaluated: 2021-03-31. Review status: no assertion criteria provided. Collection method: clinical testing. Allele origin: germline. Not counted in ClinVar's aggregate classification.
Comment: This variant is classified as likely benign based on ACMG/AMP sequence variant interpretation guidelines (Richards et al. 2015 PMID: 25741868, with internal and published modifications).

NM_032830.3(UTP4):c.1497A>G (p.Leu499=)

Gene: UTP4 (UTP4 small subunit processome component). Cytogenetic location: 16q22.1.
Variant type: single nucleotide variant.
Coding change: c.1497A>G on transcript NM_032830.3 (MANE Select); coding-DNA position 1497, A replaced by G.
Protein change: p.Leu499=; no amino-acid change (leucine 499 retained).
Molecular consequence: synonymous variant.
Genome position (GRCh38, 1-based): chr16:69,160,408, A>G. VCF-style: chr16-69160408-A-G. GRCh37 (hg19) VCF-style: chr16-69194311-A-G.
Other names: c.1248A>G, p.Leu416= (NM_001318391.2).
Identifiers: ClinVar variation 3054136 (VCV003054136.4), dbSNP rs139907414, ClinGen allele CA8132455.
Genomic context (GRCh38, chr16:69,160,408, plus strand): 5'-CCTCACAGGAACAGTGGAGGCCATGTGTCTTTTGGCAGTCAGTCCAGATGGGAATTGGCT[A>G]GCTGCATCAGGTACCAGTGCTGGAGTCCATGTCTACAACGTAAAACAGCTAAAGGTGAGC-3'
Protein context (NP_116219.2, residues 489-509): LLAVSPDGNW[Leu499=]AASGTSAGVH